The following is an entry in ClinVar:

NM_033453.4(ITPA):c.327C>G (p.Asp109Glu)

Gene: ITPA (inosine triphosphatase; plus strand). Cytogenetic location: 20p13.
Variant type: single nucleotide variant.
Coding change: c.327C>G on transcript NM_033453.4 (MANE Select); coding-DNA position 327, C replaced by G.
Protein change: p.Asp109Glu; replaces aspartic acid 109 with glutamic acid.
Molecular consequence: missense variant. On other transcripts: 5 prime UTR variant (4), non-coding transcript variant (2).
Genome position (GRCh38, 1-based): chr20:3,218,548, C>G. VCF-style: chr20-3218548-C-G. GRCh37 (hg19) VCF-style: chr20-3199194-C-G.
Other names: c.204C>G, p.Asp68Glu (NM_001267623.2); c.-11C>G (NM_001324236.2, NM_001324237.2, NM_001324238.2 and 1 more transcripts); c.327C>G, p.Asp109Glu (NM_001324240.2, NM_001424408.1); c.453C>G, p.Asp151Glu (NM_001424409.1); c.276C>G, p.Asp92Glu (NM_181493.4); short protein forms D68E, D92E, D109E, D151E.
Identifiers: ClinVar variation 2028511 (VCV002028511.4), dbSNP rs774873659, ClinGen allele CA9741272.

ClinVar aggregate classification (germline): Uncertain significance (1 of 4 stars; one submission).

Conditions:
Inosine triphosphatase deficiency. Also called: INOSINE TRIPHOSPHATE PYROPHOSPHOHYDROLASE DEFICIENCY. Identifiers: MedGen C0342800, MONDO:0013461, OMIM 613850.

Allele frequency attached by ClinVar (database versions not stated): gnomAD 0.00001; gnomAD exomes 0.00001; TOPMed 0.00002; ExAC 0.00003.
gnomAD v4.1: 13 of 1,613,868 alleles (0.00081%); highest among the groups gnomAD compares: Non-Finnish European, 0.00017%; no homozygotes.

Submission:

Labcorp Genetics (formerly Invitae), Labcorp
Classification: Uncertain significance for Inosine triphosphatase deficiency. Last evaluated: 2025-07-15. Review status: criteria provided, single submitter. Criteria: Invitae Variant Classification Sherloc (09022015). Collection method: clinical testing. Allele origin: germline.
Comment: This sequence change replaces aspartic acid, which is acidic and polar, with glutamic acid, which is acidic and polar, at codon 109 of the ITPA protein (p.Asp109Glu). This variant is present in population databases (rs774873659, gnomAD 0.03%). This variant has not been reported in the literature in individuals affected with ITPA-related conditions. ClinVar contains an entry for this variant (Variation ID: 2028511). An algorithm developed to predict the effect of missense changes on protein structure and function (PolyPhen-2) suggests that this variant is likely to be disruptive. In summary, the available evidence is currently insufficient to determine the role of this variant in disease. Therefore, it has been classified as a Variant of Uncertain Significance.